The following is an entry in ClinVar:

NM_006363.6(SEC23B):c.222-84A>G

Gene: SEC23B (SEC23 homolog B, COPII component; plus strand). Cytogenetic location: 20p11.23.
Variant type: single nucleotide variant.
Coding change: c.222-84A>G on transcript NM_006363.6 (MANE Select); 84 bases into the intron before coding-DNA position 222, A replaced by G.
Molecular consequence: intron variant.
Genome position (GRCh38, 1-based): chr20:18,512,141, A>G. VCF-style: chr20-18512141-A-G. GRCh37 (hg19) VCF-style: chr20-18492785-A-G.
Other names: c.222-84A>G (NM_032986.5, NM_001172745.3, NM_032985.6 and 1 more transcripts).
Identifiers: ClinVar variation 3042560 (VCV003042560.2), dbSNP rs1265855744, ClinGen allele CA634866564.

ClinVar aggregate classification (germline): Likely benign (0 of 4 stars; one submission).

Conditions:
SEC23B-related disorder. Also called: SEC23B-related disorders; SEC23B-related condition.

Allele frequency attached by ClinVar (database versions not stated): TOPMed 0.00001; gnomAD 0.00002; gnomAD exomes 0.00004.
gnomAD v4.1: 28 of 839,960 alleles (0.0033%); highest among the groups gnomAD compares: Non-Finnish European, 0.0053%; no homozygotes.

Submission:

PreventionGenetics, part of Exact Sciences
Classification: Likely benign for SEC23B-related condition. Last evaluated: 2024-02-05. Review status: no assertion criteria provided. Collection method: clinical testing. Allele origin: germline.
Comment: This variant is classified as likely benign based on ACMG/AMP sequence variant interpretation guidelines (Richards et al. 2015 PMID: 25741868, with internal and published modifications).